The following is an entry in ClinVar:

ClinVar aggregate classification (germline): Uncertain significance. Review status: criteria provided, multiple submitters, no conflicts (2 of 4 stars). 2 submissions from 2 submitters: Uncertain significance (2). Last evaluated 2022-10-10.

Conditions:
Ciliary dyskinesia, primary, 43. Also called: CILIARY DYSKINESIA, PRIMARY, 43, WITH OR WITHOUT SITUS INVERSUS. Identifiers: MedGen C5231466, MONDO:0032874, OMIM 618699.

Allele frequency attached by ClinVar (database versions not stated): gnomAD exomes below 0.00001; TOPMed below 0.00001.
gnomAD v4.1: 4 of 1,613,648 alleles (0.00025%); highest among the groups gnomAD compares: Non-Finnish European, 0.00034%; no homozygotes.

Submissions (2):

Genetics and Molecular Pathology, SA Pathology
Classification: Uncertain significance for Ciliary dyskinesia, primary, 43. Last evaluated: 2022-10-10. Review status: criteria provided, single submitter. Criteria: ACMG Guidelines, 2015. Collection method: clinical testing. Allele origin: germline. Inheritance: Autosomal dominant inheritance. Affected: yes.
Comment: The FOXJ1 c.403C>G variant is classified as VUS (PM2) The FOXJ1 c.403C>G variant is a single nucleotide change in exon 2/3 of the FOXJ1 gene, which is predicted to change the amino acid glutamine at position 135 in the protein to glutamic acid. This variant is absent from population databases (PM2). There are mixed computational predictions (neither PP3 or BP4 applied). This variant has not been reported in dbSNP, ClinVar or HGMD (2022.3). The variant has not been described in the literature to date. Other FOXJ1 variants with a reported loss of function have been described in association with respiratory insufficiency, hydrocephalus and situs inversus (PMID: 31630787, PMID: 34132502, PMID: 33077954)

Department of Pathology and Laboratory Medicine, Sinai Health System
Classification: Uncertain significance for Ciliary dyskinesia, primary, 43. Last evaluated: 2021-07-30. Review status: criteria provided, single submitter. Criteria: ACMG Guidelines, 2015. Collection method: research. Allele origin: germline.

Literature cited by the submitters: PubMed 31630787 (cited by Genetics and Molecular Pathology, SA Pathology); PubMed 33077954 (cited by Genetics and Molecular Pathology, SA Pathology); PubMed 34132502 (cited by Genetics and Molecular Pathology, SA Pathology).

NM_001454.4(FOXJ1):c.403C>G (p.Gln135Glu)

Gene: FOXJ1 (forkhead box J1; minus strand). Cytogenetic location: 17q25.1.
Variant type: single nucleotide variant.
Coding change: c.403C>G on transcript NM_001454.4 (MANE Select); coding-DNA position 403, C replaced by G.
Protein change: p.Gln135Glu; replaces glutamine 135 with glutamic acid.
Molecular consequence: missense variant.
Genome position (GRCh38, 1-based): chr17:76,139,993, G>C on the plus strand (C>G on the coding strand, the complement: FOXJ1 is on the minus strand). VCF-style: chr17-76139993-G-C. GRCh37 (hg19) VCF-style: chr17-74136074-G-C.
Other names: short protein forms Q135E.
Identifiers: ClinVar variation 2664712 (VCV002664712.2), dbSNP rs2068504768, ClinGen allele CA401113844.
Genomic context (GRCh38, chr17:76,139,993, plus strand): 5'-AGTTGTCCGTGATCCACTTGTAGATGGCCGACAGGGTGATCTTGGTGGCCTTGCTGGCCT[G>C]CATGGCCATGCAGATGAGCGTGGCATACGAGTAGGGAGGCTTCACGTGCGGATTGGTGGC-3'
Protein context (NP_001445.2, residues 125-145): SYATLICMAM[Gln135Glu]ASKATKITLS